The following is an entry in ClinVar:

NM_031935.3(HMCN1):c.9519T>C (p.Cys3173=)

Gene: HMCN1 (hemicentin 1; plus strand). Cytogenetic location: 1q31.1.
Variant type: single nucleotide variant.
Coding change: c.9519T>C on transcript NM_031935.3 (MANE Select); coding-DNA position 9519, T replaced by C.
Protein change: p.Cys3173=; no amino-acid change (cysteine 3173 retained).
Molecular consequence: synonymous variant.
Genome position (GRCh38, 1-based): chr1:186,088,218, T>C. VCF-style: chr1-186088218-T-C. GRCh37 (hg19) VCF-style: chr1-186057350-T-C.
Other names: c.9519T>C (NM_031935.2).
Identifiers: ClinVar variation 1899030 (VCV001899030.7), dbSNP rs199989516, ClinGen allele CA1293453.

ClinVar aggregate classification (germline): Likely benign. Review status: criteria provided, single submitter (1 of 4 stars). 2 submissions from 2 submitters: Likely benign (1). 1 of the submissions does not count toward it. Last evaluated 2023-12-05.

Conditions:
HMCN1-related disorder. Also called: HMCN1-related condition.

Allele frequency attached by ClinVar (database versions not stated): ExAC 0.00005; gnomAD 0.00005; gnomAD exomes 0.00005; TOPMed 0.00006.
gnomAD v4.1: 90 of 1,612,876 alleles (0.0056%); highest among the groups gnomAD compares: Non-Finnish European, 0.0028%; no homozygotes.

Submissions (2):

Labcorp Genetics (formerly Invitae), Labcorp
Classification: Likely benign. Last evaluated: 2023-12-05. Review status: criteria provided, single submitter. Criteria: Invitae Variant Classification Sherloc (09022015). Collection method: clinical testing. Allele origin: germline.

PreventionGenetics, part of Exact Sciences
Classification: Likely benign for HMCN1-related condition. Last evaluated: 2019-09-05. Review status: no assertion criteria provided. Collection method: clinical testing. Allele origin: germline. Not counted in ClinVar's aggregate classification.
Comment: This variant is classified as likely benign based on ACMG/AMP sequence variant interpretation guidelines (Richards et al. 2015 PMID: 25741868, with internal and published modifications).